The following is an entry in ClinVar:

NM_032638.5(GATA2):c.509T>C (p.Leu170Pro)

Gene: GATA2 (GATA binding protein 2; minus strand). Cytogenetic location: 3q21.3.
Variant type: single nucleotide variant.
Coding change: c.509T>C on transcript NM_032638.5 (MANE Select); coding-DNA position 509, T replaced by C.
Protein change: p.Leu170Pro; replaces leucine 170 with proline.
Molecular consequence: missense variant.
Genome position (GRCh38, 1-based): chr3:128,486,089, A>G on the plus strand (T>C on the coding strand, the complement: GATA2 is on the minus strand). VCF-style: chr3-128486089-A-G. GRCh37 (hg19) VCF-style: chr3-128204932-A-G.
Other names: c.509T>C, p.Leu170Pro (NM_001145661.2, NM_001145662.1); short protein forms L170P.
Identifiers: ClinVar variation 2929450 (VCV002929450.5), dbSNP rs2068693960, ClinGen allele CA354406618.

ClinVar aggregate classification (germline): Uncertain significance. Review status: criteria provided, multiple submitters, no conflicts (2 of 4 stars). 3 submissions from 3 submitters: Uncertain significance (3). Last evaluated 2025-04-01.

Conditions:
Acute myeloid leukemia (AML). Also called: Acute myeloid leukemia, adult; AML adult; Acute non-lymphocytic leukemia; Acute granulocytic leukemia; Leukemia, acute myeloid, somatic; Leukemia, acute myelogenous, somatic. Identifiers: Orphanet 519, MedGen C0023467, MeSH D015470, MONDO:0018874, OMIM 601626, HP:0004808. Disease mechanism: Constitutively activated FLT3.
Deafness-lymphedema-leukemia syndrome. Also called: Lymphedema, primary, with myelodysplasia; Emberger syndrome. Identifiers: Orphanet 3226, MedGen C3279664, MONDO:0013540, OMIM 614038.
Monocytopenia with susceptibility to infections. Also called: MONOCYTOPENIA AND MYCOBACTERIAL INFECTION SYNDROME; MONOCYTOPENIA WITH SUSCEPTIBILITY TO MYCOBACTERIAL, FUNGAL, AND PAPILLOMAVIRUS INFECTIONS AND MYELODYSPLASIA; COMBINED IMMUNODEFICIENCY WITH SUSCEPTIBILITY TO MYCOBACTERIAL, VIRAL, AND FUNGAL INFECTIONS; Dendritic cell, monocyte, B lymphocyte, and natural killer lymphocyte deficiency; IMMUNODEFICIENCY 21; GATA2 DEFICIENCY. Identifiers: Orphanet 228423, MedGen C3280030, MONDO:0013607, OMIM 614172.
Inborn genetic diseases. Identifiers: MedGen C0950123, MeSH D030342.

Allele frequency attached by ClinVar (database versions not stated): gnomAD 0.00001.
gnomAD v4.1: 1 of 1,613,798 alleles (0.000062%); highest among the groups gnomAD compares: African/African-American, 0.0013%; no homozygotes.

Submissions (3):

Ambry Genetics
Classification: Uncertain significance for Inborn genetic diseases. Last evaluated: 2025-04-01. Review status: criteria provided, single submitter. Criteria: Ambry Variant Classification Scheme 2023. Collection method: clinical testing. Allele origin: germline.
Comment: The p.L170P variant (also known as c.509T>C), located in coding exon 2 of the GATA2 gene, results from a T to C substitution at nucleotide position 509. The leucine at codon 170 is replaced by proline, an amino acid with similar properties. This amino acid position is highly conserved in available vertebrate species. In addition, this alteration is predicted to be deleterious by in silico analysis. Based on the available evidence, the clinical significance of this variant remains unclear.

Baylor Genetics
Classification: Uncertain significance for Acute myeloid leukemia. Last evaluated: 2024-03-09. Review status: criteria provided, single submitter. Criteria: ACMG Guidelines, 2015. Collection method: clinical testing. Allele origin: unknown.

Labcorp Genetics (formerly Invitae), Labcorp
Classification: Uncertain significance for Monocytopenia with susceptibility to infections; Deafness-lymphedema-leukemia syndrome. Last evaluated: 2023-03-17. Review status: criteria provided, single submitter. Criteria: Invitae Variant Classification Sherloc (09022015). Collection method: clinical testing. Allele origin: germline.
Comment: This sequence change replaces leucine, which is neutral and non-polar, with proline, which is neutral and non-polar, at codon 170 of the GATA2 protein (p.Leu170Pro). This variant has not been reported in the literature in individuals affected with GATA2-related conditions. This variant is not present in population databases (gnomAD no frequency). Advanced modeling of protein sequence and biophysical properties (such as structural, functional, and spatial information, amino acid conservation, physicochemical variation, residue mobility, and thermodynamic stability) has been performed at Invitae for this missense variant, however the output from this modeling did not meet the statistical confidence thresholds required to predict the impact of this variant on GATA2 protein function. In summary, the available evidence is currently insufficient to determine the role of this variant in disease. Therefore, it has been classified as a Variant of Uncertain Significance.